The following is an entry in ClinVar:

ClinVar aggregate classification (germline): Likely benign. Review status: criteria provided, multiple submitters, no conflicts (2 of 4 stars). 2 submissions from 2 submitters: Likely benign (2). Last evaluated 2025-03-13.

Conditions:
Pheochromocytoma/paraganglioma syndrome 4. Also called: CAROTID BODY TUMORS AND MULTIPLE EXTRAADRENAL PHEOCHROMOCYTOMAS; PARAGANGLIOMA, FAMILIAL MALIGNANT; PARAGANGLIOMAS, HEREDITARY EXTRAADRENAL; PHEOCHROMOCYTOMA, FAMILIAL EXTRAADRENAL; Paragangliomas 4; SDHB-Related Hereditary Paraganglioma-Pheochromocytoma Syndrome (Paragangliomas 4). Identifiers: Orphanet 29072, MedGen C1861848, MONDO:0007273, OMIM 115310.
Pheochromocytoma. Also called: MAX-Related Hereditary Paraganglioma-Pheochromocytoma Syndrome. Identifiers: Orphanet 29072, MedGen C0031511, MONDO:0008233, OMIM 171300, HP:0002666.
Gastrointestinal stromal tumor. Also called: Gastrointestinal stromal tumor, somatic; Gastrointestinal stroma tumor. Identifiers: Orphanet 44890, MedGen C0238198, MeSH D046152, MONDO:0011719, OMIM 606764, HP:0100723.

Submissions (2):

Myriad Genetics, Inc.
Classification: Likely benign for Pheochromocytoma/paraganglioma syndrome 4. Last evaluated: 2025-03-13. Review status: criteria provided, single submitter. Criteria: Myriad Autosomal Dominant, Autosomal Recessive and X-Linked Classification Criteria (2023). Collection method: clinical testing. Allele origin: unknown.
Comment: This variant is considered likely benign. This variant is intronic and is not expected to impact mRNA splicing.

Labcorp Genetics (formerly Invitae), Labcorp
Classification: Likely benign for Gastrointestinal stromal tumor; Pheochromocytoma/paraganglioma syndrome 4; Pheochromocytoma. Last evaluated: 2023-03-24. Review status: criteria provided, single submitter. Criteria: Invitae Variant Classification Sherloc (09022015). Collection method: clinical testing. Allele origin: germline.

NM_003000.3(SDHB):c.541-14_541-13del

Gene: SDHB (succinate dehydrogenase complex iron sulfur subunit B; minus strand). Cytogenetic location: 1p36.13.
Variant type: Deletion.
Coding change: c.541-14_541-13del on transcript NM_003000.3 (MANE Select); 14 bases into the intron before coding-DNA position 541 through 13 bases into the intron before coding-DNA position 541, 2 bases deleted (TT; older notation c.541-14_541-13delTT).
Molecular consequence: intron variant.
Genome position (GRCh38, 1-based): chr1:17,024,087-17,024,088, AA deleted on the plus strand (TT on the coding strand, the reverse complement: SDHB is on the minus strand); deleting any 2 consecutive bases within chr1:17,024,087-17,024,090 gives the same sequence; the c. name uses the placement nearest the transcript's 3' end. VCF-style (leftmost placement, unchanged base first): chr1-17024086-GAA-G. GRCh37 (hg19) VCF-style: chr1-17350581-GAA-G.
Identifiers: ClinVar variation 1589173 (VCV001589173.9), dbSNP rs2101516735, ClinGen allele CA2573130777.
Genomic context (GRCh38, chr1:17,024,086, plus strand): 5'-GGCAGCTGGTGCTACAGCAGGCACAGAGAATGCACTCGTAGAGCCCGTCCTGTATGGGGA[GAA>G]AAGAGAGGCAGGAGCTTGTGACGGGAGAGACTCTGCTATGTCTTCAGCTGATTAAATGTT-3'